The following is an entry in ClinVar:

NM_018192.4(P3H2):c.4C>G (p.Arg2Gly)

Genes: P3H2 (prolyl 3-hydroxylase 2; minus strand), LOC123464484 (Sharpr-MPRA regulatory region 10063; plus strand). Cytogenetic location: 3q28.
Variant type: single nucleotide variant.
Coding change: c.4C>G on transcript NM_018192.4 (MANE Select); coding-DNA position 4, C replaced by G.
Protein change: p.Arg2Gly; replaces arginine 2 with glycine.
Molecular consequence: missense variant. On other transcripts: intron variant (1).
Genome position (GRCh38, 1-based): chr3:190,120,728, G>C on the plus strand (C>G on the coding strand, the complement: P3H2 is on the minus strand). VCF-style: chr3-190120728-G-C. GRCh37 (hg19) VCF-style: chr3-189838517-G-C.
Other names: c.-64+1475C>G (NM_001134418.2); short protein forms R2G.
Identifiers: ClinVar variation 1937434 (VCV001937434.2), dbSNP rs1037878355, ClinGen allele CA90197245.

ClinVar aggregate classification (germline): Uncertain significance (1 of 4 stars; one submission).

gnomAD v4.1: 11 of 1,519,228 alleles (0.00072%); highest among the groups gnomAD compares: African/African-American, 0.0099%; no homozygotes.

Submission:

Labcorp Genetics (formerly Invitae), Labcorp
Classification: Uncertain significance. Last evaluated: 2022-03-28. Review status: criteria provided, single submitter. Criteria: Invitae Variant Classification Sherloc (09022015). Collection method: clinical testing. Allele origin: germline.
Comment: This sequence change replaces arginine, which is basic and polar, with glycine, which is neutral and non-polar, at codon 2 of the P3H2 protein (p.Arg2Gly). This variant is present in population databases (no rsID available, gnomAD 0.009%). This variant has not been reported in the literature in individuals affected with P3H2-related conditions. Algorithms developed to predict the effect of missense changes on protein structure and function are either unavailable or do not agree on the potential impact of this missense change (SIFT: "Tolerated"; PolyPhen-2: "Probably Damaging"; Align-GVGD: "Class C0"). In summary, the available evidence is currently insufficient to determine the role of this variant in disease. Therefore, it has been classified as a Variant of Uncertain Significance.